The following is an entry in ClinVar:

NM_006118.4(HAX1):c.44G>T (p.Gly15Val)

Gene: HAX1 (HCLS1 associated protein X-1; plus strand). Cytogenetic location: 1q21.3.
Variant type: single nucleotide variant.
Coding change: c.44G>T on transcript NM_006118.4 (MANE Select); coding-DNA position 44, G replaced by T.
Protein change: p.Gly15Val; replaces glycine 15 with valine.
Molecular consequence: missense variant.
Genome position (GRCh38, 1-based): chr1:154,272,767, G>T. VCF-style: chr1-154272767-G-T. GRCh37 (hg19) VCF-style: chr1-154245243-G-T.
Other names: c.44G>T, p.Gly15Val (NM_001018837.2); short protein forms G15V.
Identifiers: ClinVar variation 4033859 (VCV004033859.2).
Genomic context (GRCh38, chr1:154,272,767, plus strand): 5'-CGCGTCCCAGTACGGGAATGAGCCTCTTTGATCTCTTCCGGGGCTTTTTCGGCTTTCCTG[G>T]ACCTCGGAGGTGAGAGTAGGTCCGGCTCGGACAAGGGTGGGGGTCGTCTGAGGGGAGCTT-3'
Protein context (NP_006109.2, residues 5-25): DLFRGFFGFP[Gly15Val]PRSHRDPFFG

ClinVar aggregate classification (germline): Uncertain significance. Review status: criteria provided, single submitter (1 of 4 stars). 2 submissions from 2 submitters: Uncertain significance (1). 1 of the submissions does not count toward it. Last evaluated 2025-05-11.

Conditions:
Kostmann syndrome (SCN3). Also called: KOSTMANN DISEASE; Autosomal recessive severe congenital neutropenia type 3. Identifiers: Orphanet 99749, MedGen C5235141, MONDO:0012548, OMIM 610738.
Inborn genetic diseases. Identifiers: MedGen C0950123, MeSH D030342.

Submissions (2):

Ambry Genetics
Classification: Uncertain significance for Inborn genetic diseases. Last evaluated: 2025-05-11. Review status: criteria provided, single submitter. Criteria: Ambry Variant Classification Scheme 2023. Collection method: clinical testing. Allele origin: germline.
Comment: The p.G15V variant (also known as c.44G>T), located in coding exon 1 of the HAX1 gene, results from a G to T substitution at nucleotide position 44. The glycine at codon 15 is replaced by valine, an amino acid with dissimilar properties. This amino acid position is conserved. In addition, this alteration is predicted to be tolerated by in silico analysis. Based on the available evidence, the clinical significance of this variant remains unclear.

Natera, Inc.
Classification: Uncertain significance for Autosomal recessive severe congenital neutropenia type 3. Last evaluated: 2025-04-18. Review status: no assertion criteria provided. Collection method: clinical testing. Allele origin: germline. Not counted in ClinVar's aggregate classification.